The following is an entry in ClinVar:

ClinVar aggregate classification (germline): Uncertain significance (1 of 4 stars; one submission).

Submission:

Labcorp Genetics (formerly Invitae), Labcorp
Classification: Uncertain significance. Last evaluated: 2025-10-12. Review status: criteria provided, single submitter. Criteria: Invitae Variant Classification Sherloc (09022015). Collection method: clinical testing. Allele origin: germline.
Comment: This sequence change replaces valine, which is neutral and non-polar, with leucine, which is neutral and non-polar, at codon 184 of the IRF2BP2 protein (p.Val184Leu). This variant is not present in population databases (gnomAD no frequency). This variant has not been reported in the literature in individuals affected with IRF2BP2-related conditions. An algorithm developed to predict the effect of missense changes on protein structure and function (PolyPhen-2) suggests that this variant is likely to be tolerated. In summary, the available evidence is currently insufficient to determine the role of this variant in disease. Therefore, it has been classified as a Variant of Uncertain Significance.

NM_182972.3(IRF2BP2):c.550G>C (p.Val184Leu)

Gene: IRF2BP2 (interferon regulatory factor 2 binding protein 2; minus strand). Cytogenetic location: 1q42.3.
Variant type: single nucleotide variant.
Coding change: c.550G>C on transcript NM_182972.3 (MANE Select); coding-DNA position 550, G replaced by C.
Protein change: p.Val184Leu; replaces valine 184 with leucine.
Molecular consequence: missense variant.
Genome position (GRCh38, 1-based): chr1:234,608,945, C>G on the plus strand (G>C on the coding strand, the complement: IRF2BP2 is on the minus strand). VCF-style: chr1-234608945-C-G. GRCh37 (hg19) VCF-style: chr1-234744691-C-G.
Other names: c.550G>C, p.Val184Leu (NM_001077397.1); short protein forms V184L.
Identifiers: ClinVar variation 4690336 (VCV004690336.1).
Genomic context (GRCh38, chr1:234,608,945, plus strand): 5'-CGAGCGCGGTGGGCAGCGGCGTGGCCGAGCCGTTCATGAGCGGCACCAGGGTGGGCGGCA[C>G]CGCGTGGCCGCGCCGCGGGTTCGGGCTCTGGCGATTCAGCTCGGGCGGCTCCTCTAGCTT-3'
Protein context (NP_892017.2, residues 174-194): QSPNPRRGHA[Val184Leu]PPTLVPLMNG